The following is an entry in ClinVar:

NM_144670.6(A2ML1):c.462+202A>C

Genes: A2ML1 (alpha-2-macroglobulin like 1; plus strand), A2ML1-AS1 (A2ML1 antisense RNA 1; minus strand). Cytogenetic location: 12p13.31.
Variant type: single nucleotide variant.
Coding change: c.462+202A>C on transcript NM_144670.6 (MANE Select); 202 bases into the intron after coding-DNA position 462, A replaced by C.
Molecular consequence: intron variant.
Genome position (GRCh38, 1-based): chr12:8,829,981, A>C. VCF-style: chr12-8829981-A-C. GRCh37 (hg19) VCF-style: chr12-8982577-A-C.
Identifiers: ClinVar variation 561670 (VCV000561670.1), dbSNP rs59758568, ClinGen allele CA232657208.

ClinVar aggregate classification (germline): Benign (1 of 4 stars; one submission).

Allele frequency attached by ClinVar (database versions not stated): 1000 Genomes Project 0.01478; 1000 Genomes Project 30x 0.01593; gnomAD 0.01615 and 0.01738; TOPMed 0.01801.
gnomAD v4.1: 2,424 of 151,772 alleles (1.6%); highest among the groups gnomAD compares: African/African-American, 5.5%; 62 homozygotes.

Submission:

GeneDx
Classification: Benign. Last evaluated: 2018-06-14. Review status: criteria provided, single submitter. Criteria: GeneDx Variant Classification (06012015). Collection method: clinical testing. Allele origin: germline. Affected: yes.
Comment: This variant is considered likely benign or benign based on one or more of the following criteria: it is a conservative change, it occurs at a poorly conserved position in the protein, it is predicted to be benign by multiple in silico algorithms, and/or has population frequency not consistent with disease.